The following is an entry in ClinVar:

ClinVar aggregate classification (germline): Uncertain significance (1 of 4 stars; one submission).

Submission:

Labcorp Genetics (formerly Invitae), Labcorp
Classification: Uncertain significance. Last evaluated: 2025-04-13. Review status: criteria provided, single submitter. Criteria: Invitae Variant Classification Sherloc (09022015). Collection method: clinical testing. Allele origin: germline.
Comment: This sequence change replaces glycine, which is neutral and non-polar, with tryptophan, which is neutral and slightly polar, at codon 55 of the LSR protein (p.Gly55Trp). This variant is present in population databases (rs746543014, gnomAD 0.007%). This variant has not been reported in the literature in individuals affected with LSR-related conditions. An algorithm developed to predict the effect of missense changes on protein structure and function (PolyPhen-2) suggests that this variant is likely to be disruptive. In summary, the available evidence is currently insufficient to determine the role of this variant in disease. Therefore, it has been classified as a Variant of Uncertain Significance.

NM_205834.4(LSR):c.19G>T (p.Gly7Trp)

Gene: LSR (lipolysis stimulated lipoprotein receptor; plus strand). Cytogenetic location: 19q13.12.
Variant type: single nucleotide variant.
Coding change: c.19G>T on transcript NM_205834.4 (MANE Select); coding-DNA position 19, G replaced by T.
Protein change: p.Gly7Trp; replaces glycine 7 with tryptophan.
Molecular consequence: missense variant.
Genome position (GRCh38, 1-based): chr19:35,249,041, G>T. VCF-style: chr19-35249041-G-T. GRCh37 (hg19) VCF-style: chr19-35739944-G-T.
Other names: c.19G>T, p.Gly7Trp (NM_001260489.2, NM_001260490.2, NM_001385215.1 and 2 more transcripts); short protein forms G7W.
Identifiers: ClinVar variation 4754824 (VCV004754824.1).